The following is an entry in ClinVar:

NM_000632.4(ITGAM):c.874C>T (p.Arg292Cys)

Gene: ITGAM (integrin subunit alpha M; plus strand). Cytogenetic location: 16p11.2.
Variant type: single nucleotide variant.
Coding change: c.874C>T on transcript NM_000632.4 (MANE Select); coding-DNA position 874, C replaced by T.
Protein change: p.Arg292Cys; replaces arginine 292 with cysteine.
Molecular consequence: missense variant.
Genome position (GRCh38, 1-based): chr16:31,275,564, C>T. VCF-style: chr16-31275564-C-T. GRCh37 (hg19) VCF-style: chr16-31286885-C-T.
Other names: c.874C>T, p.Arg292Cys (NM_001145808.2); short protein forms R292C.
Identifiers: ClinVar variation 1468017 (VCV001468017.8), dbSNP rs199881740, ClinGen allele CA8025365.

ClinVar aggregate classification (germline): Uncertain significance (1 of 4 stars; one submission).

Allele frequency attached by ClinVar (database versions not stated): TOPMed 0.00002; gnomAD exomes 0.00004 and 0.00007; ExAC 0.00005; 1000 Genomes Project 30x 0.00016; 1000 Genomes Project 0.00020.
gnomAD v4.1: 109 of 1,613,916 alleles (0.0068%); highest among the groups gnomAD compares: East Asian, 0.21%; no homozygotes.

Submission:

Labcorp Genetics (formerly Invitae), Labcorp
Classification: Uncertain significance. Last evaluated: 2025-09-26. Review status: criteria provided, single submitter. Criteria: Invitae Variant Classification Sherloc (09022015). Collection method: clinical testing. Allele origin: germline.
Comment: This sequence change replaces arginine, which is basic and polar, with cysteine, which is neutral and slightly polar, at codon 292 of the ITGAM protein (p.Arg292Cys). This variant is present in population databases (rs199881740, gnomAD 0.04%). This variant has not been reported in the literature in individuals affected with ITGAM-related conditions. ClinVar contains an entry for this variant (Variation ID: 1468017). An algorithm developed to predict the effect of missense changes on protein structure and function (PolyPhen-2) suggests that this variant is likely to be tolerated. In summary, the available evidence is currently insufficient to determine the role of this variant in disease. Therefore, it has been classified as a Variant of Uncertain Significance.